The following is an entry in ClinVar:

ClinVar aggregate classification (germline): Uncertain significance. Review status: criteria provided, multiple submitters, no conflicts (2 of 4 stars). 2 submissions from 2 submitters: Uncertain significance (2). Last evaluated 2025-04-08.

Conditions:
Inborn genetic diseases. Identifiers: MedGen C0950123, MeSH D030342.

Allele frequency attached by ClinVar (database versions not stated): TOPMed 0.00002.
gnomAD v4.1: 7 of 1,574,298 alleles (0.00044%); highest among the groups gnomAD compares: Admixed American, 0.0036%; no homozygotes.

Submissions (2):

Labcorp Genetics (formerly Invitae), Labcorp
Classification: Uncertain significance. Last evaluated: 2025-04-08. Review status: criteria provided, single submitter. Criteria: Invitae Variant Classification Sherloc (09022015). Collection method: clinical testing. Allele origin: germline.
Comment: This sequence change replaces glycine, which is neutral and non-polar, with serine, which is neutral and polar, at codon 230 of the GLIS3 protein (p.Gly230Ser). This variant is not present in population databases (gnomAD no frequency). This variant has not been reported in the literature in individuals affected with GLIS3-related conditions. ClinVar contains an entry for this variant (Variation ID: 1948918). An algorithm developed to predict the effect of missense changes on protein structure and function outputs the following: PolyPhen-2: "Benign". The serine amino acid residue is found in multiple mammalian species, which suggests that this missense change does not adversely affect protein function. In summary, the available evidence is currently insufficient to determine the role of this variant in disease. Therefore, it has been classified as a Variant of Uncertain Significance.

Ambry Genetics
Classification: Uncertain significance for Inborn genetic diseases. Last evaluated: 2024-02-12. Review status: criteria provided, single submitter. Criteria: Ambry Variant Classification Scheme 2023. Collection method: clinical testing. Allele origin: germline.

NM_001042413.2(GLIS3):c.1153G>A (p.Gly385Ser)

Gene: GLIS3 (GLIS family zinc finger 3; minus strand). Cytogenetic location: 9p24.2.
Variant type: single nucleotide variant.
Coding change: c.1153G>A on transcript NM_001042413.2 (MANE Select); coding-DNA position 1153, G replaced by A.
Protein change: p.Gly385Ser; replaces glycine 385 with serine.
Molecular consequence: missense variant.
Genome position (GRCh38, 1-based): chr9:4,118,325, C>T on the plus strand (G>A on the coding strand, the complement: GLIS3 is on the minus strand). VCF-style: chr9-4118325-C-T. GRCh37 (hg19) VCF-style: chr9-4118325-C-T.
Other names: c.688G>A, p.Gly230Ser (NM_152629.4); c.688G>A (NM_152629.3); short protein forms G230S, G385S.
Identifiers: ClinVar variation 1948918 (VCV001948918.5), dbSNP rs1465576344, ClinGen allele CA372807220.